The following is an entry in ClinVar:

NM_001029883.3(PCARE):c.3669-6_3669-5insA

Gene: PCARE (photoreceptor cilium actin regulator; minus strand). Cytogenetic location: 2p23.2.
Variant type: Insertion.
Coding change: c.3669-6_3669-5insA on transcript NM_001029883.3 (MANE Select); 6 bases into the intron before coding-DNA position 3669 through 5 bases into the intron before coding-DNA position 3669, A inserted.
Molecular consequence: intron variant.
Genome position: GRCh38 VCF-style: chr2-29065072-C-CT. GRCh37 (hg19) VCF-style: chr2-29287938-C-CT.
Other names: c.3669-6_3669-5insA (NM_001029883.2).
Identifiers: ClinVar variation 4954407 (VCV004954407.2).

ClinVar aggregate classification (germline): Likely benign. Review status: criteria provided, multiple submitters, no conflicts (2 of 4 stars). 2 submissions from 2 submitters: Likely benign (2). Last evaluated 2025-10-30.

Conditions:
PCARE-related disorder. Also called: PCARE-related condition.

Submissions (2):

PreventionGenetics, part of Exact Sciences
Classification: Likely benign for PCARE-related condition. Last evaluated: 2025-10-30. Review status: criteria provided, single submitter. Criteria: ACMG Guidelines, 2015. Collection method: clinical testing. Allele origin: germline.
Comment: This variant is classified as likely benign based on ACMG/AMP sequence variant interpretation guidelines (Richards et al. 2015 PMID: 25741868, with internal and published modifications).

Blueprint Genetics
Classification: Likely benign. Last evaluated: 2024-11-25. Review status: criteria provided, single submitter. Criteria: ACMG Guidelines, 2015. Collection method: clinical testing. Allele origin: germline.